The following is an entry in ClinVar:

NM_033305.3(VPS13A):c.3083A>G (p.Glu1028Gly)

Gene: VPS13A (vacuolar protein sorting 13 homolog A; plus strand). Cytogenetic location: 9q21.2.
Variant type: single nucleotide variant.
Coding change: c.3083A>G on transcript NM_033305.3 (MANE Select); coding-DNA position 3083, A replaced by G.
Protein change: p.Glu1028Gly; replaces glutamic acid 1028 with glycine.
Molecular consequence: missense variant.
Genome position (GRCh38, 1-based): chr9:77,282,239, A>G. VCF-style: chr9-77282239-A-G. GRCh37 (hg19) VCF-style: chr9-79897155-A-G.
Other names: p.Glu1028Gly; c.3083A>G, p.Glu1028Gly (NM_001018037.2, NM_001018038.3, NM_015186.4); short protein forms E1028G.
Identifiers: ClinVar variation 367372 (VCV000367372.64), dbSNP rs148656796, ClinGen allele CA5092137.

ClinVar aggregate classification (germline): Benign/Likely benign. Review status: criteria provided, multiple submitters, no conflicts (2 of 4 stars). 8 submissions from 8 submitters: Benign (3); Likely benign (5). Last evaluated 2026-02-04.

Conditions:
VPS13A-related neurodegenerative disease. Also called: VPS13A Disease; Choreaacanthocytosis; Choreoacanthocytosis; Chorea-acanthocytosis; ACANTHOCYTOSIS WITH NEUROLOGIC DISORDER; LEVINE-CRITCHLEY SYNDROME. Identifiers: Orphanet 2388, MedGen C0393576, MONDO:0008695, OMIM 200150.

Allele frequency attached by ClinVar (database versions not stated): 1000 Genomes Project 30x 0.00141; TOPMed 0.00179; 1000 Genomes Project 0.00180; ESP Exome Variant Server 0.00208; gnomAD exomes 0.00364 and 0.00570; gnomAD 0.00423 and 0.00425; ExAC 0.00532.
gnomAD v4.1: 5,977 of 1,613,516 alleles (0.37%); highest among the groups gnomAD compares: Middle Eastern, 1.7%; 42 homozygotes.

Submissions (8):

Labcorp Genetics (formerly Invitae), Labcorp
Classification: Benign. Last evaluated: 2026-02-04. Review status: criteria provided, single submitter. Criteria: Invitae Variant Classification Sherloc (09022015). Collection method: clinical testing. Allele origin: germline.

CeGaT Center for Human Genetics Tuebingen
Classification: Likely benign. Last evaluated: 2025-07-01. Review status: criteria provided, single submitter. Criteria: CeGaT Center For Human Genetics Tuebingen Variant Classification Criteria Version 2. Collection method: clinical testing. Allele origin: germline. Affected: yes. Observed: 16 variant alleles.
Comment: VPS13A: BP4, BS2

GeneDx
Classification: Likely benign. Last evaluated: 2024-12-09. Review status: criteria provided, single submitter. Criteria: GeneDx Variant Classification Process June 2021. Collection method: clinical testing. Allele origin: germline. Affected: yes.
Comment: See Variant Classification Assertion Criteria.

Blueprint Genetics
Classification: Likely benign. Last evaluated: 2024-11-26. Review status: criteria provided, single submitter. Criteria: ACMG Guidelines, 2015. Collection method: clinical testing. Allele origin: germline.

Mayo Clinic Laboratories, Mayo Clinic
Classification: Benign. Last evaluated: 2024-01-09. Review status: criteria provided, single submitter. Criteria: ACMG Guidelines, 2015. Collection method: clinical testing. Allele origin: germline. Observed: 3 variant alleles.
Comment: BS1, BS2, BP4

Fulgent Genetics
Classification: Benign for VPS13A-related neurodegenerative disease. Last evaluated: 2021-08-24. Review status: criteria provided, single submitter. Criteria: ACMG Guidelines, 2015. Collection method: clinical testing. Allele origin: unknown.

Illumina Laboratory Services, Illumina
Classification: Likely benign for VPS13A-related neurodegenerative disease. Last evaluated: 2018-01-12. Review status: criteria provided, single submitter. Criteria: ICSL Variant Classification Criteria 13 December 2019. Collection method: clinical testing. Allele origin: germline.
Comment: This variant was observed in the ICSL laboratory as part of a predisposition screen in an ostensibly healthy population. It had not been previously curated by ICSL or reported in the Human Gene Mutation Database (HGMD: prior to June 1st, 2018), and was therefore a candidate for classification through an automated scoring system. Utilizing variant allele frequency, disease prevalence and penetrance estimates, and inheritance mode, an automated score was calculated to assess if this variant is too frequent to cause the disease. Based on the score and internal cut-off values, a variant classified as likely benign is not then subjected to further curation. The score for this variant resulted in a classification of likely benign for this disease.

Breakthrough Genomics
Classification: Likely benign. Review status: criteria provided, single submitter. Criteria: ACMG Guidelines, 2015. Collection method: not provided. Allele origin: germline. Inheritance: Autosomal recessive inheritance. Affected: yes.